The following is an entry in ClinVar:

ClinVar aggregate classification (germline): Uncertain significance. Review status: criteria provided, multiple submitters, no conflicts (2 of 4 stars). 2 submissions from 2 submitters: Uncertain significance (2). Last evaluated 2026-01-09.

Allele frequency attached by ClinVar (database versions not stated): gnomAD exomes 0.00003 and 0.00016; ExAC 0.00006; TOPMed 0.00010; gnomAD 0.00013 and 0.00015.
gnomAD v4.1: 237 of 1,551,106 alleles (0.015%); highest among the groups gnomAD compares: Non-Finnish European, 0.02%; no homozygotes.

Submissions (2):

Labcorp Genetics (formerly Invitae), Labcorp
Classification: Uncertain significance. Last evaluated: 2026-01-09. Review status: criteria provided, single submitter. Criteria: Invitae Variant Classification Sherloc (09022015). Collection method: clinical testing. Allele origin: germline.
Comment: This sequence change replaces phenylalanine, which is neutral and non-polar, with tyrosine, which is neutral and polar, at codon 604 of the DTHD1 protein (p.Phe604Tyr). This variant is present in population databases (rs753501702, gnomAD 0.01%). This variant has not been reported in the literature in individuals affected with DTHD1-related conditions. ClinVar contains an entry for this variant (Variation ID: 1518809). An algorithm developed to predict the effect of missense changes on protein structure and function (PolyPhen-2) suggests that this variant is likely to be disruptive. In summary, the available evidence is currently insufficient to determine the role of this variant in disease. Therefore, it has been classified as a Variant of Uncertain Significance.

Ambry Genetics
Classification: Uncertain significance. Last evaluated: 2021-10-12. Review status: criteria provided, single submitter. Criteria: Ambry Variant Classification Scheme 2023. Collection method: clinical testing. Allele origin: germline.

NM_001170700.3(DTHD1):c.2681T>A (p.Phe894Tyr)

Gene: DTHD1 (death domain containing 1; plus strand). Cytogenetic location: 4p14.
Variant type: single nucleotide variant.
Coding change: c.2681T>A on transcript NM_001170700.3 (MANE Select); coding-DNA position 2681, T replaced by A.
Protein change: p.Phe894Tyr; replaces phenylalanine 894 with tyrosine.
Molecular consequence: missense variant. On other transcripts: non-coding transcript variant (2).
Genome position (GRCh38, 1-based): chr4:36,343,784, T>A. VCF-style: chr4-36343784-T-A. GRCh37 (hg19) VCF-style: chr4-36345406-T-A.
Other names: c.1811T>A, p.Phe604Tyr (NM_001136536.5); c.1690T>A, p.Ser564Thr (NM_001378435.1); c.2306T>A (NM_001170700.1); short protein forms F604Y, F894Y, S564T.
Identifiers: ClinVar variation 1518809 (VCV001518809.9), dbSNP rs753501702, ClinGen allele CA2885763.
Genomic context (GRCh38, chr4:36,343,784, plus strand): 5'-GCAAGATTGGCAGGAGTGATCTTGCAGAAGAGCTCAAATTCAAGTGGGAAAATAAAGTGT[T>A]CACTGAACCACAGCAGTGTTTTGATGTAGCCCCTGAGTAAAAGCCTGATCTCTCTTCCTT-3'
Protein context (NP_001164171.2, residues 884-904): ELKFKWENKV[Phe894Tyr]TEPQQCFDVA